The following is an entry in ClinVar:

ClinVar aggregate classification (germline): Likely benign. Review status: criteria provided, multiple submitters, no conflicts (2 of 4 stars). 5 submissions from 5 submitters: Likely benign (4). 1 of the submissions does not count toward it. Last evaluated 2025-10-13.

Conditions:
TUBG1-related disorder. Also called: TUBG1-related condition.

Allele frequency attached by ClinVar (database versions not stated): ESP Exome Variant Server 0.00015; gnomAD exomes 0.00015; ExAC 0.00016; gnomAD 0.00025 and 0.00027; TOPMed 0.00025.

Submissions (5):

Labcorp Genetics (formerly Invitae), Labcorp
Classification: Likely benign. Last evaluated: 2025-10-13. Review status: criteria provided, single submitter. Criteria: Invitae Variant Classification Sherloc (09022015). Collection method: clinical testing. Allele origin: germline.

CeGaT Center for Human Genetics Tuebingen
Classification: Likely benign. Last evaluated: 2025-09-01. Review status: criteria provided, single submitter. Criteria: CeGaT Center For Human Genetics Tuebingen Variant Classification Criteria Version 2. Collection method: clinical testing. Allele origin: germline. Affected: yes. Observed: 3 variant alleles.
Comment: TUBG1: BP4, BP7

Blueprint Genetics
Classification: Likely benign. Last evaluated: 2024-10-22. Review status: criteria provided, single submitter. Criteria: ACMG Guidelines, 2015. Collection method: clinical testing. Allele origin: germline.

GeneDx
Classification: Likely benign. Last evaluated: 2020-08-06. Review status: criteria provided, single submitter. Criteria: GeneDx Variant Classification Process June 2021. Collection method: clinical testing. Allele origin: germline. Affected: yes.

PreventionGenetics, part of Exact Sciences
Classification: Likely benign for TUBG1-related condition. Last evaluated: 2023-06-05. Review status: no assertion criteria provided. Collection method: clinical testing. Allele origin: germline. Not counted in ClinVar's aggregate classification.
Comment: This variant is classified as likely benign based on ACMG/AMP sequence variant interpretation guidelines (Richards et al. 2015 PMID: 25741868, with internal and published modifications).

NM_001070.5(TUBG1):c.460T>C (p.Leu154=)

Gene: TUBG1 (tubulin gamma 1; plus strand). Cytogenetic location: 17q21.2.
Variant type: single nucleotide variant.
Coding change: c.460T>C on transcript NM_001070.5 (MANE Select); coding-DNA position 460, T replaced by C.
Protein change: p.Leu154=; no amino-acid change (leucine 154 retained).
Molecular consequence: synonymous variant.
Genome position (GRCh38, 1-based): chr17:42,612,487, T>C. VCF-style: chr17-42612487-T-C. GRCh37 (hg19) VCF-style: chr17-40764505-T-C.
Identifiers: ClinVar variation 735569 (VCV000735569.29), dbSNP rs150641791, ClinGen allele CA8579873.